The following is an entry in ClinVar:

NM_022167.4(XYLT2):c.692dup (p.Val232fs)

Gene: XYLT2 (xylosyltransferase 2; plus strand). Cytogenetic location: 17q21.33.
Variant type: Duplication.
Coding change: c.692dup on transcript NM_022167.4 (MANE Select); coding-DNA position 692, one base duplicated (C; older notation c.692dupC).
Protein change: p.Val232fs; shifts the reading frame from valine 232.
Molecular consequence: frameshift variant.
Genome position (GRCh38, 1-based): chr17:50,354,471, C duplicated; the last of 6 consecutive C bases (chr17:50,354,466-50,354,471); duplicating any one gives the same sequence. VCF-style (leftmost placement, unchanged base first): chr17-50354465-G-GC. GRCh37 (hg19) VCF-style: chr17-48431826-G-GC.
Other names: c.692dupC (NM_022167.3); short protein forms V232fs.
Identifiers: ClinVar variation 207977 (VCV000207977.8), dbSNP rs797044806, ClinGen allele CA204305.
Genomic context (GRCh38, chr17:50,354,465, plus strand): 5'-CAGGGAAGATGAGCCCCGGCATCCAGTGGGATGAGAGCCAAGCCCAGCAGCCCATGGATG[G>GC]CCCCCCGGTGCGAATCGCCTACATGCTGGTGGTTCACGGCCGCGCCATCCGCCAGCTGAA-3'

ClinVar aggregate classification (germline): Pathogenic. Review status: criteria provided, multiple submitters, no conflicts (2 of 4 stars). 4 submissions from 4 submitters: Pathogenic (3). 1 of the submissions does not count toward it. Last evaluated 2026-01-25.

Conditions:
Inborn genetic diseases. Identifiers: MedGen C0950123, MeSH D030342.
Spondylo-ocular syndrome. Also called: Spondyloocular syndrome, autosomal recessive. Identifiers: Orphanet 85194, MedGen C4225412, MONDO:0011604, OMIM 605822.

Submissions (4):

GeneDx
Classification: Pathogenic. Last evaluated: 2026-01-25. Review status: criteria provided, single submitter. Criteria: GeneDx Variant Classification Process June 2021. Collection method: clinical testing. Allele origin: germline.
Comment: Frameshift variant predicted to result in protein truncation or nonsense mediated decay in a gene for which loss of function is a known mechanism of disease; Not observed at significant frequency in large population cohorts (gnomAD); This variant is associated with the following publications: (PMID: 27871115, 34925453, 36760954, 30891060, 26027496)

Labcorp Genetics (formerly Invitae), Labcorp
Classification: Pathogenic. Last evaluated: 2025-05-25. Review status: criteria provided, single submitter. Criteria: Invitae Variant Classification Sherloc (09022015). Collection method: clinical testing. Allele origin: germline.
Comment: This sequence change creates a premature translational stop signal (p.Val232Glyfs*54) in the XYLT2 gene. It is expected to result in an absent or disrupted protein product. Loss-of-function variants in XYLT2 are known to be pathogenic (PMID: 26027496, 26987875). This variant is present in population databases (rs759761618, gnomAD 0.004%). This premature translational stop signal has been observed in individual(s) with spondyloocular syndrome (PMID: 26027496). It has also been observed to segregate with disease in related individuals. ClinVar contains an entry for this variant (Variation ID: 207977). For these reasons, this variant has been classified as Pathogenic.

Ambry Genetics
Classification: Pathogenic for Inborn genetic diseases. Last evaluated: 2017-02-02. Review status: criteria provided, single submitter. Criteria: Ambry exome assertion method (8-5-2015). Collection method: clinical testing. Allele origin: germline. Affected: yes. Observed: 1 variant allele.

OMIM
Classification: Pathogenic for SPONDYLOOCULAR SYNDROME. Last evaluated: 2015-06-04. Review status: no assertion criteria provided. Collection method: literature only. Allele origin: germline. Not counted in ClinVar's aggregate classification.

Literature cited by the submitters: PubMed 26027496 (cited by Labcorp Genetics (formerly Invitae), Labcorp and OMIM); PubMed 26987875 (cited by Labcorp Genetics (formerly Invitae), Labcorp).